The following is an entry in ClinVar:

ClinVar aggregate classification (germline): Likely benign (0 of 4 stars; one submission).

Conditions:
CHD5-related disorder. Also called: CHD5-related condition.

gnomAD v4.1: 220 of 1,611,272 alleles (0.014%); highest among the groups gnomAD compares: East Asian, 0.018%; no homozygotes.

Submission:

PreventionGenetics, part of Exact Sciences
Classification: Likely benign for CHD5-related condition. Last evaluated: 2024-09-26. Review status: no assertion criteria provided. Collection method: clinical testing. Allele origin: germline.
Comment: This variant is classified as likely benign based on ACMG/AMP sequence variant interpretation guidelines (Richards et al. 2015 PMID: 25741868, with internal and published modifications).

NM_015557.3(CHD5):c.4792G>A (p.Ala1598Thr)

Gene: CHD5 (chromodomain helicase DNA binding protein 5; minus strand). Cytogenetic location: 1p36.31.
Variant type: single nucleotide variant.
Coding change: c.4792G>A on transcript NM_015557.3 (MANE Select); coding-DNA position 4792, G replaced by A.
Protein change: p.Ala1598Thr; replaces alanine 1598 with threonine.
Molecular consequence: missense variant.
Genome position (GRCh38, 1-based): chr1:6,121,225, C>T on the plus strand (G>A on the coding strand, the complement: CHD5 is on the minus strand). VCF-style: chr1-6121225-C-T. GRCh37 (hg19) VCF-style: chr1-6181285-C-T.
Other names: short protein forms A1598T.
Identifiers: ClinVar variation 3355454 (VCV003355454.1).